The following is an entry in ClinVar:

ClinVar aggregate classification (germline): Likely benign. Review status: criteria provided, multiple submitters, no conflicts (2 of 4 stars). 3 submissions from 3 submitters: Likely benign (3). Last evaluated 2026-02-12.

Conditions:
Familial hypercholesterolemia. Also called: Familial hypercholesterolemias; Familial hypercholesterolaemia. Identifiers: MedGen C0020445, MONDO:0005439.
Cardiovascular phenotype. Identifiers: MedGen CN230736.
Hypercholesterolemia, autosomal dominant, type B (FHCL2). Also called: APOLIPOPROTEIN B-100, FAMILIAL DEFECTIVE; APOLIPOPROTEIN B-100, FAMILIAL LIGAND-DEFECTIVE; HYPERCHOLESTEROLEMIA, FAMILIAL, DUE TO LIGAND-DEFECTIVE APOLIPOPROTEIN B; Familial Hypercholesterolemia Type B; Hyperlipoproteinemia Type IIb; Familial hypercholesterolemia 2. Identifiers: MedGen C1704417, MONDO:0007751, OMIM 144010.
Familial hypobetalipoproteinemia 1. Also called: APOB-Related Familial Hypobetalipoproteinemia; Hypobetalipoproteinemia, normotriglyceridemic; Acanthocytosis with hypobetalipoproteinemia. Identifiers: MedGen C4551990, MONDO:0014252, OMIM 615558.

Allele frequency attached by ClinVar (database versions not stated): gnomAD 0.00001; gnomAD exomes 0.00001; TOPMed 0.00001.

Submissions (3):

GENinCode PLC
Classification: Likely benign for Familial hypercholesterolemia. Last evaluated: 2026-02-12. Review status: criteria provided, single submitter. Criteria: ACMG Guidelines, 2015. Collection method: clinical testing. Allele origin: germline.
Comment: This is a synonymous (silent) variant that is not predicted to impact splicing and occurs at a nucleotide which is not highly conserved. This variant has been classified as Likely Benign (BP4, BP7).

Ambry Genetics
Classification: Likely benign for Cardiovascular phenotype. Last evaluated: 2023-10-24. Review status: criteria provided, single submitter. Criteria: Ambry Variant Classification Scheme 2023. Collection method: clinical testing. Allele origin: germline.

Labcorp Genetics (formerly Invitae), Labcorp
Classification: Likely benign for Familial hypobetalipoproteinemia 1; Hypercholesterolemia, autosomal dominant, type B. Last evaluated: 2022-07-10. Review status: criteria provided, single submitter. Criteria: Invitae Variant Classification Sherloc (09022015). Collection method: clinical testing. Allele origin: germline.

NM_000384.3(APOB):c.11184T>C (p.Asp3728=)

Gene: APOB (apolipoprotein B; minus strand). Cytogenetic location: 2p24.1.
Variant type: single nucleotide variant.
Coding change: c.11184T>C on transcript NM_000384.3 (MANE Select); coding-DNA position 11184, T replaced by C.
Protein change: p.Asp3728=; no amino-acid change (aspartic acid 3728 retained).
Molecular consequence: synonymous variant.
Genome position (GRCh38, 1-based): chr2:21,005,684, A>G on the plus strand (T>C on the coding strand, the complement: APOB is on the minus strand). VCF-style: chr2-21005684-A-G. GRCh37 (hg19) VCF-style: chr2-21228556-A-G.
Identifiers: ClinVar variation 925841 (VCV000925841.12), dbSNP rs973616479, ClinGen allele CA43492167.
Genomic context (GRCh38, chr2:21,005,684, plus strand): 5'-CGTAGGCATGACAAGAACTGAATTTAGATCATTTAGTTTCAGCCCAGGAATAATGAATTT[A>G]TCAGCCAAAACTTTTACAGGGATGGAGAATGAATAGCCATTGGGGTTTTTGGTGTACACA-3'
Protein context (NP_000375.3, residues 3718-3738): SFSIPVKVLA[Asp3728=]KFIIPGLKLN